The following is an entry in ClinVar:

NM_005228.5(EGFR):c.2518G>A (p.Ala840Thr)

Gene: EGFR (epidermal growth factor receptor; plus strand). Cytogenetic location: 7p11.2.
Variant type: single nucleotide variant.
Coding change: c.2518G>A on transcript NM_005228.5 (MANE Select); coding-DNA position 2518, G replaced by A.
Protein change: p.Ala840Thr; replaces alanine 840 with threonine.
Molecular consequence: missense variant.
Genome position (GRCh38, 1-based): chr7:55,191,767, G>A. VCF-style: chr7-55191767-G-A. GRCh37 (hg19) VCF-style: chr7-55259460-G-A.
Other names: c.2383G>A, p.Ala795Thr (NM_001346897.2, NM_001346899.2); c.2518G>A, p.Ala840Thr (NM_001346898.2); c.2359G>A, p.Ala787Thr (NM_001346900.2); c.1717G>A, p.Ala573Thr (NM_001346941.2); c.2518G>A (NM_005228.4); short protein forms A787T, A795T, A573T, A840T.
Identifiers: ClinVar variation 850694 (VCV000850694.14), dbSNP rs143884981, ClinGen allele CA4266111.

ClinVar aggregate classification (germline): Conflicting classifications of pathogenicity. Review status: criteria provided, conflicting classifications (1 of 4 stars). 6 submissions from 6 submitters: Uncertain significance (4); Likely benign (1). 1 of the submissions does not count toward it. Last evaluated 2026-01-30.

Conditions:
Lung cancer. Also called: Lung cancer, somatic; Malignant tumor of lung. Identifiers: MedGen C0242379, MONDO:0008903, OMIM 211980.
Inflammatory skin and bowel disease, neonatal, 2 (NNCIS). Identifiers: Orphanet 294023, MedGen C4015130, MONDO:0014481, OMIM 616069.
EGFR-related disorder. Also called: EGFR-related condition.
EGFR-related lung cancer (EGFR). Identifiers: MedGen CN130014.
Hereditary cancer-predisposing syndrome. Also called: Tumor predisposition; Neoplastic Syndromes, Hereditary; Hereditary neoplastic syndrome; Hereditary Cancer Syndrome. Identifiers: Orphanet 140162, MedGen C0027672, MeSH D009386, MONDO:0015356.

Allele frequency attached by ClinVar (database versions not stated): ExAC 0.00001; TOPMed 0.00001; gnomAD exomes 0.00002 and 0.00004; gnomAD 0.00006 and 0.00007; ESP Exome Variant Server 0.00008.
gnomAD v4.1: 64 of 1,613,978 alleles (0.004%); highest among the groups gnomAD compares: Non-Finnish European, 0.0052%; no homozygotes.

Submissions (6):

Labcorp Genetics (formerly Invitae), Labcorp
Classification: Uncertain significance for EGFR-related lung cancer. Last evaluated: 2026-01-30. Review status: criteria provided, single submitter. Criteria: Invitae Variant Classification Sherloc (09022015). Collection method: clinical testing. Allele origin: germline.
Comment: This sequence change replaces alanine, which is neutral and non-polar, with threonine, which is neutral and polar, at codon 840 of the EGFR protein (p.Ala840Thr). This variant is present in population databases (rs143884981, gnomAD 0.005%). This missense change has been observed in individual(s) with colorectal cancer (PMID: 26901136). ClinVar contains an entry for this variant (Variation ID: 850694). Invitae Evidence Modeling of protein sequence and biophysical properties (such as structural, functional, and spatial information, amino acid conservation, physicochemical variation, residue mobility, and thermodynamic stability) has been performed for this missense variant. However, the output from this modeling did not meet the statistical confidence thresholds required to predict the impact of this variant on EGFR protein function. In summary, the available evidence is currently insufficient to determine the role of this variant in disease. Therefore, it has been classified as a Variant of Uncertain Significance.

Ambry Genetics
Classification: Uncertain significance for Hereditary cancer-predisposing syndrome. Last evaluated: 2024-10-17. Review status: criteria provided, single submitter. Criteria: Ambry Variant Classification Scheme 2023. Collection method: clinical testing. Allele origin: germline.
Comment: The p.A840T variant (also known as c.2518G>A), located in coding exon 21 of the EGFR gene, results from a G to A substitution at nucleotide position 2518. The alanine at codon 840 is replaced by threonine, an amino acid with similar properties. This amino acid position is highly conserved in available vertebrate species. In addition, this alteration is predicted to be deleterious by in silico analysis. Based on the available evidence, the clinical significance of this variant remains unclear.

Myriad Genetics, Inc.
Classification: Likely benign for Lung cancer. Last evaluated: 2024-10-17. Review status: criteria provided, single submitter. Criteria: Myriad Autosomal Dominant, Autosomal Recessive and X-Linked Classification Criteria (2023). Collection method: clinical testing. Allele origin: unknown.
Comment: This variant is considered likely benign. This variant has been observed at a population frequency that is significantly greater than expected given the associated disease prevalence and penetrance.

Fulgent Genetics
Classification: Uncertain significance for Lung cancer; Inflammatory skin and bowel disease, neonatal, 2. Last evaluated: 2024-03-10. Review status: criteria provided, single submitter. Criteria: ACMG Guidelines, 2015. Collection method: clinical testing. Allele origin: germline.

Institute for Clinical Genetics, University Hospital TU Dresden, University Hospital TU Dresden
Classification: Uncertain significance. Last evaluated: 2021-11-03. Review status: criteria provided, single submitter. Criteria: ACMG Guidelines, 2015. Collection method: clinical testing. Allele origin: germline.

PreventionGenetics, part of Exact Sciences
Classification: Uncertain significance for EGFR-related condition. Last evaluated: 2024-05-14. Review status: no assertion criteria provided. Collection method: clinical testing. Allele origin: germline. Not counted in ClinVar's aggregate classification.
Comment: The EGFR c.2518G>A variant is predicted to result in the amino acid substitution p.Ala840Thr. This variant was reported in an individual with colorectal cancer (Supp. Table S5. de Voer et al 2016. PubMed ID: 26901136). This variant is reported in 0.0053% of alleles in individuals of European (Non-Finnish) descent in gnomAD. At this time, the clinical significance of this variant is uncertain due to the absence of conclusive functional and genetic evidence.

Literature cited by the submitters: PubMed 26901136 (cited by Labcorp Genetics (formerly Invitae), Labcorp).